The following is an entry in ClinVar:

NM_030632.3(ASXL3):c.4899T>A (p.Tyr1633Ter)

Gene: ASXL3 (ASXL transcriptional regulator 3; plus strand). Cytogenetic location: 18q12.1.
Variant type: single nucleotide variant.
Coding change: c.4899T>A on transcript NM_030632.3 (MANE Select); coding-DNA position 4899, T replaced by A.
Protein change: p.Tyr1633Ter; replaces tyrosine 1633 with a stop codon.
Molecular consequence: nonsense.
Genome position (GRCh38, 1-based): chr18:33,744,747, T>A. VCF-style: chr18-33744747-T-A. GRCh37 (hg19) VCF-style: chr18-31324711-T-A.
Other names: short protein forms Y1633*.
Identifiers: ClinVar variation 1320244 (VCV001320244.1), dbSNP rs1004855056, ClinGen allele CA402192186.

ClinVar aggregate classification (germline): Pathogenic (1 of 4 stars; one submission).

Conditions:
Bainbridge-Ropers syndrome. Also called: Severe feeding difficulties-failure to thrive-microcephaly due to ASXL3 deficiency syndrome. Identifiers: Orphanet 352577, MedGen C4750837, MONDO:0014205, OMIM 615485.

Submission:

3billion
Classification: Pathogenic for Bainbridge-Ropers syndrome. Last evaluated: 2021-10-02. Review status: criteria provided, single submitter. Criteria: ACMG Guidelines, 2015. Collection method: clinical testing. Allele origin: germline. Affected: yes. Observed: 1 heterozygote.
Comment: Stop-gained (nonsense): predicted to result in a loss or disruption of normal protein function through nonsense-mediated decay (NMD) or protein truncation. Multiple pathogenic variants are reported downstream of the variant (PVS1_VS). The variant was observed as assumed (i.e. paternity and maternity not confirmed) de novoo (3billion dataset, PM6). It is not observed in the gnomAD v2.1.1 dataset (PM2). Therefore, this variant is classified as pathogenic according to the recommendation of ACMG/AMP guideline.